The following is an entry in ClinVar:

NM_000126.4(ETFA):c.352-1G>A

Gene: ETFA (electron transfer flavoprotein subunit alpha; minus strand). Cytogenetic location: 15q24.2.
Variant type: single nucleotide variant.
Coding change: c.352-1G>A on transcript NM_000126.4 (MANE Select); the canonical splice acceptor site of the intron before coding-DNA position 352, G replaced by A.
Molecular consequence: splice acceptor variant.
Genome position (GRCh38, 1-based): chr15:76,287,946, C>T on the plus strand (G>A on the coding strand, the complement: ETFA is on the minus strand). VCF-style: chr15-76287946-C-T. GRCh37 (hg19) VCF-style: chr15-76580287-C-T.
Other names: c.205-1G>A (NM_001127716.2).
Identifiers: ClinVar variation 2812420 (VCV002812420.3), dbSNP rs2543025247, ClinGen allele CA393515470.

ClinVar aggregate classification (germline): Likely pathogenic (1 of 4 stars; one submission).

Conditions:
Multiple acyl-CoA dehydrogenase deficiency (MADD). Also called: Glutaric aciduria, type 2; Glutaric acidemia type II; GA 2; Glutaric Acidemia type 2; ETHYLMALONIC-ADIPICACIDURIA; GA II. Identifiers: Orphanet 26791, MedGen C0268596, MONDO:0009282, OMIM 231680.

Submission:

Labcorp Genetics (formerly Invitae), Labcorp
Classification: Likely pathogenic for Multiple acyl-CoA dehydrogenase deficiency. Last evaluated: 2022-11-06. Review status: criteria provided, single submitter. Criteria: Invitae Variant Classification Sherloc (09022015). Collection method: clinical testing. Allele origin: germline.
Comment: In summary, the currently available evidence indicates that the variant is pathogenic, but additional data are needed to prove that conclusively. Therefore, this variant has been classified as Likely Pathogenic. Algorithms developed to predict the effect of sequence changes on RNA splicing suggest that this variant may disrupt the consensus splice site. This variant has not been reported in the literature in individuals affected with ETFA-related conditions. This variant is not present in population databases (gnomAD no frequency). This sequence change affects an acceptor splice site in intron 4 of the ETFA gene. It is expected to disrupt RNA splicing. Variants that disrupt the donor or acceptor splice site typically lead to a loss of protein function (PMID: 16199547), and loss-of-function variants in ETFA are known to be pathogenic (PMID: 16510302, 23785301).

Literature cited by the submitters: PubMed 16199547; PubMed 16510302; PubMed 23785301.